The following is an entry in ClinVar:

NM_004618.5(TOP3A):c.186A>G (p.Glu62=)

Gene: TOP3A (DNA topoisomerase III alpha; minus strand). Cytogenetic location: 17p11.2.
Variant type: single nucleotide variant.
Coding change: c.186A>G on transcript NM_004618.5 (MANE Select); coding-DNA position 186, A replaced by G.
Protein change: p.Glu62=; no amino-acid change (glutamic acid 62 retained).
Molecular consequence: synonymous variant. On other transcripts: 5 prime UTR variant (1).
Genome position (GRCh38, 1-based): chr17:18,308,936, T>C on the plus strand (A>G on the coding strand, the complement: TOP3A is on the minus strand). VCF-style: chr17-18308936-T-C. GRCh37 (hg19) VCF-style: chr17-18212250-T-C.
Other names: c.-26A>G (NM_001320759.2).
Identifiers: ClinVar variation 1917579 (VCV001917579.30), dbSNP rs746470156, ClinGen allele CA8430327.

ClinVar aggregate classification (germline): Benign/Likely benign. Review status: criteria provided, multiple submitters, no conflicts (2 of 4 stars). 3 submissions from 3 submitters: Benign (1); Likely benign (2). Last evaluated 2026-02-01.

Allele frequency attached by ClinVar (database versions not stated): gnomAD 0.00002; TOPMed 0.00003; gnomAD exomes 0.00004; ExAC 0.00009.
gnomAD v4.1: 65 of 1,532,214 alleles (0.0042%); highest among the groups gnomAD compares: Non-Finnish European, 0.0053%; no homozygotes.

Submissions (3):

CeGaT Center for Human Genetics Tuebingen
Classification: Likely benign. Last evaluated: 2026-02-01. Review status: criteria provided, single submitter. Criteria: CeGaT Center For Human Genetics Tuebingen Variant Classification Criteria Version 2. Collection method: clinical testing. Allele origin: germline. Affected: yes. Observed: 2 variant alleles.
Comment: TOP3A: BP4, BP7

Labcorp Genetics (formerly Invitae), Labcorp
Classification: Likely benign. Last evaluated: 2025-09-02. Review status: criteria provided, single submitter. Criteria: Invitae Variant Classification Sherloc (09022015). Collection method: clinical testing. Allele origin: germline.

Laboratory of Genetics, Children's Clinical University Hospital Latvia
Classification: Benign. Last evaluated: 2025-02-16. Review status: criteria provided, single submitter. Criteria: ACMG Guidelines, 2015. Collection method: clinical testing. Allele origin: germline. Affected: yes.